The following is an entry in ClinVar:

NM_000256.3(MYBPC3):c.3119C>T (p.Ser1040Leu)

Gene: MYBPC3 (myosin binding protein C3; minus strand). Cytogenetic location: 11p11.2.
Variant type: single nucleotide variant.
Coding change: c.3119C>T on transcript NM_000256.3 (MANE Select); coding-DNA position 3119, C replaced by T.
Protein change: p.Ser1040Leu; replaces serine 1040 with leucine.
Molecular consequence: missense variant.
Genome position (GRCh38, 1-based): chr11:47,333,628, G>A on the plus strand (C>T on the coding strand, the complement: MYBPC3 is on the minus strand). VCF-style: chr11-47333628-G-A. GRCh37 (hg19) VCF-style: chr11-47355179-G-A.
Other names: short protein forms S1040L.
Identifiers: ClinVar variation 3618593 (VCV003618593.2).

ClinVar aggregate classification (germline): Uncertain significance (1 of 4 stars; one submission).

Conditions:
Hypertrophic cardiomyopathy. Also called: HYPERTROPHIC MYOCARDIOPATHY. Identifiers: Orphanet 217569, MedGen C0007194, MeSH D002312, MONDO:0005045, HP:0001639.

gnomAD v4.1: 7 of 1,606,698 alleles (0.00044%); highest among the groups gnomAD compares: Non-Finnish European, 0.00051%; no homozygotes.

Submission:

Labcorp Genetics (formerly Invitae), Labcorp
Classification: Uncertain significance for Hypertrophic cardiomyopathy. Last evaluated: 2025-08-25. Review status: criteria provided, single submitter. Criteria: Invitae Variant Classification Sherloc (09022015). Collection method: clinical testing. Allele origin: germline.
Comment: This sequence change replaces serine, which is neutral and polar, with leucine, which is neutral and non-polar, at codon 1040 of the MYBPC3 protein (p.Ser1040Leu). This variant is not present in population databases (gnomAD no frequency). This variant has not been reported in the literature in individuals affected with MYBPC3-related conditions. ClinVar contains an entry for this variant (Variation ID: 3618593). An algorithm developed to predict the effect of missense changes on protein structure and function (PolyPhen-2) suggests that this variant is likely to be disruptive. In summary, the available evidence is currently insufficient to determine the role of this variant in disease. Therefore, it has been classified as a Variant of Uncertain Significance.